The following is an entry in ClinVar:

NM_001048174.2(MUTYH):c.889G>A (p.Gly297Ser)

Gene: MUTYH (mutY DNA glycosylase; minus strand). Cytogenetic location: 1p34.1.
Variant type: single nucleotide variant.
Coding change: c.889G>A on transcript NM_001048174.2 (MANE Select); coding-DNA position 889, G replaced by A.
Protein change: p.Gly297Ser; replaces glycine 297 with serine.
Molecular consequence: missense variant. On other transcripts: non-coding transcript variant (7).
Genome position (GRCh38, 1-based): chr1:45,332,047, C>T on the plus strand (G>A on the coding strand, the complement: MUTYH is on the minus strand). VCF-style: chr1-45332047-C-T. GRCh37 (hg19) VCF-style: chr1-45797719-C-T.
Other names: c.889G>A, p.Gly297Ser (NM_001048173.2, NM_001293195.2, NM_001407081.1 and 6 more transcripts); c.973G>A, p.Gly325Ser (NM_001128425.2); c.934G>A, p.Gly312Ser (NM_001293190.2); c.922G>A, p.Gly308Ser (NM_001293191.2, NM_001407069.1, NM_001407077.1); c.613G>A, p.Gly205Ser (NM_001293192.2, NM_001293196.2, NM_001407091.1); c.850G>A, p.Gly284Ser (NM_001407079.1); c.847G>A, p.Gly283Ser (NM_001407080.1); c.544G>A, p.Gly182Ser (NM_001407082.1, NM_001350650.2, NM_001350651.2); and 5 more; short protein forms G297S, G311S, G182S, G205S, G308S, G269S, G283S, G298S.
Identifiers: ClinVar variation 4113970 (VCV004113970.1).
Genomic context (GRCh38, chr1:45,332,047, plus strand): 5'-GGAAGGGTTGGGGTGGGGGCTAGGTTTGGTGCTCACCACACTCCTCCACGTCAGGACTGC[C>T]CGACAGGCTCCCTGAGGCTAAGAGCTGTTCCTGCTCCACCTGAGAGGCACAGGGTTGAGT-3'
Protein context (NP_001041639.1, residues 287-307): EQLLASGSLS[Gly297Ser]SPDVEECAPN

ClinVar aggregate classification (germline): Uncertain significance (1 of 4 stars; one submission).

Conditions:
Hereditary cancer-predisposing syndrome. Also called: Hereditary neoplastic syndrome; Neoplastic Syndromes, Hereditary; Tumor predisposition; Hereditary Cancer Syndrome. Identifiers: Orphanet 140162, MedGen C0027672, MeSH D009386, MONDO:0015356.

gnomAD v4.1: 1 of 1,614,072 alleles (0.000062%); highest among the groups gnomAD compares: Non-Finnish European, 0.000085%; no homozygotes.

Submission:

Ambry Genetics
Classification: Uncertain significance for Hereditary cancer-predisposing syndrome. Last evaluated: 2025-08-27. Review status: criteria provided, single submitter. Criteria: Ambry Variant Classification Scheme 2023. Collection method: clinical testing. Allele origin: germline.
Comment: The p.G325S variant (also known as c.973G>A), located in coding exon 11 of the MUTYH gene, results from a G to A substitution at nucleotide position 973. The glycine at codon 325 is replaced by serine, an amino acid with similar properties. This amino acid position is conserved. In addition, this alteration is predicted to be tolerated by in silico analysis. Based on the available evidence, the clinical significance of this variant remains unclear.